The following is an entry in ClinVar:

NM_032634.4(PIGO):c.2132T>C (p.Met711Thr)

Gene: PIGO (phosphatidylinositol glycan anchor biosynthesis class O; minus strand). Cytogenetic location: 9p13.3.
Variant type: single nucleotide variant.
Coding change: c.2132T>C on transcript NM_032634.4 (MANE Select); coding-DNA position 2132, T replaced by C.
Protein change: p.Met711Thr; replaces methionine 711 with threonine.
Molecular consequence: missense variant. On other transcripts: intron variant (2).
Genome position (GRCh38, 1-based): chr9:35,091,755, A>G on the plus strand (T>C on the coding strand, the complement: PIGO is on the minus strand). VCF-style: chr9-35091755-A-G. GRCh37 (hg19) VCF-style: chr9-35091752-A-G.
Other names: c.1345-464T>C (NM_152850.4, NM_001201484.2); short protein forms M711T.
Identifiers: ClinVar variation 1508393 (VCV001508393.8), dbSNP rs2131074970, ClinGen allele CA373320720.

ClinVar aggregate classification (germline): Uncertain significance (1 of 4 stars; one submission).

Conditions:
Hyperphosphatasia with impaired intellectual development syndrome 2. Also called: Hyperphosphatasia with intellectual disability syndrome 2; GLYCOSYLPHOSPHATIDYLINOSITOL BIOSYNTHESIS DEFECT 6. Identifiers: Orphanet 247262, MedGen C3553637, MONDO:0013882, OMIM 614749.

Submission:

Labcorp Genetics (formerly Invitae), Labcorp
Classification: Uncertain significance for Hyperphosphatasia with impaired intellectual development syndrome 2. Last evaluated: 2021-02-07. Review status: criteria provided, single submitter. Criteria: Invitae Variant Classification Sherloc (09022015). Collection method: clinical testing. Allele origin: germline.
Comment: Algorithms developed to predict the effect of missense changes on protein structure and function (SIFT, PolyPhen-2, Align-GVGD) all suggest that this variant is likely to be tolerated, but these predictions have not been confirmed by published functional studies and their clinical significance is uncertain. This sequence change replaces methionine with threonine at codon 711 of the PIGO protein (p.Met711Thr). The methionine residue is moderately conserved and there is a moderate physicochemical difference between methionine and threonine. This variant is not present in population databases (ExAC no frequency). This variant has not been reported in the literature in individuals with PIGO-related conditions. In summary, the available evidence is currently insufficient to determine the role of this variant in disease. Therefore, it has been classified as a Variant of Uncertain Significance.